The following is an entry in ClinVar:

NM_152296.5(ATP1A3):c.886T>G (p.Phe296Val)

Gene: ATP1A3 (ATPase Na+/K+ transporting subunit alpha 3; minus strand). Cytogenetic location: 19q13.2.
Variant type: single nucleotide variant.
Coding change: c.886T>G on transcript NM_152296.5 (MANE Select); coding-DNA position 886, T replaced by G.
Protein change: p.Phe296Val; replaces phenylalanine 296 with valine.
Molecular consequence: missense variant.
Genome position (GRCh38, 1-based): chr19:41,985,025, A>C on the plus strand (T>G on the coding strand, the complement: ATP1A3 is on the minus strand). VCF-style: chr19-41985025-A-C. GRCh37 (hg19) VCF-style: chr19-42489177-A-C.
Other names: c.919T>G, p.Phe307Val (NM_001256213.2); c.925T>G, p.Phe309Val (NM_001256214.2); short protein forms F296V, F307V, F309V.
Identifiers: ClinVar variation 3368666 (VCV003368666.1).

ClinVar aggregate classification (germline): Uncertain significance (1 of 4 stars; one submission).

Submission:

GeneDx
Classification: Uncertain significance. Last evaluated: 2024-02-01. Review status: criteria provided, single submitter. Criteria: GeneDx Variant Classification Process June 2021. Collection method: clinical testing. Allele origin: germline. Affected: yes.
Comment: Not observed at significant frequency in large population cohorts (gnomAD); In silico analysis supports that this missense variant has a deleterious effect on protein structure/function; Has not been previously published as pathogenic or benign to our knowledge